The following is an entry in ClinVar:

ClinVar aggregate classification (germline): Pathogenic (1 of 4 stars; one submission).

Submission:

Labcorp Genetics (formerly Invitae), Labcorp
Classification: Pathogenic. Last evaluated: 2023-02-02. Review status: criteria provided, single submitter. Criteria: Invitae Variant Classification Sherloc (09022015). Collection method: clinical testing. Allele origin: unknown.
Comment: This variant is a gross deletion of the genomic region encompassing exon(s) 2-29 of the POLE gene. This deletion is out-of-frame, and is expected to create a premature termination codon and result in an absent or disrupted protein product. Loss-of-function variants in POLE are known to be pathogenic (PMID: 23230001, 25948378, 30503519). This variant has not been reported in the literature in individuals affected with POLE-related conditions. For these reasons, this variant has been classified as Pathogenic.

Literature cited by the submitters: PubMed 23230001; PubMed 25948378; PubMed 30503519.

NC_000012.11:g.(?_133233712)_(133257875_?)del

Gene: POLE (DNA polymerase epsilon, catalytic subunit; minus strand). Cytogenetic location: 12q24.33.
Variant type: Deletion.
Identifiers: ClinVar variation 3244403 (VCV003244403.1).